The following is an entry in ClinVar:

ClinVar aggregate classification (germline): Uncertain significance (1 of 4 stars; one submission).

gnomAD v4.1: 2 of 1,556,324 alleles (0.00013%); highest among the groups gnomAD compares: Non-Finnish European, 0.00017%; no homozygotes.

Submission:

GeneDx
Classification: Uncertain significance. Last evaluated: 2025-08-12. Review status: criteria provided, single submitter. Criteria: GeneDx Variant Classification Process June 2021. Collection method: clinical testing. Allele origin: germline. Affected: yes.
Comment: Not observed at significant frequency in large population cohorts (gnomAD); Nonsense variant predicted to result in protein truncation or nonsense mediated decay in a gene or region of a gene for which loss of function is not a well-established mechanism of disease; Has not been previously published as pathogenic or benign to our knowledge

NM_000095.3(COMP):c.618C>A (p.Cys206Ter)

Gene: COMP (cartilage oligomeric matrix protein; minus strand). Cytogenetic location: 19p13.11.
Variant type: single nucleotide variant.
Coding change: c.618C>A on transcript NM_000095.3 (MANE Select); coding-DNA position 618, C replaced by A.
Protein change: p.Cys206Ter; replaces cysteine 206 with a stop codon.
Molecular consequence: nonsense.
Genome position (GRCh38, 1-based): chr19:18,788,736, G>T on the plus strand (C>A on the coding strand, the complement: COMP is on the minus strand). VCF-style: chr19-18788736-G-T. GRCh37 (hg19) VCF-style: chr19-18899545-G-T.
Other names: short protein forms C206*.
Identifiers: ClinVar variation 4795777 (VCV004795777.1).